The following is an entry in ClinVar:

ClinVar aggregate classification (germline): Uncertain significance. Review status: criteria provided, multiple submitters, no conflicts (2 of 4 stars). 2 submissions from 2 submitters: Uncertain significance (2). Last evaluated 2022-07-06.

Submissions (2):

Labcorp Genetics (formerly Invitae), Labcorp
Classification: Uncertain significance. Last evaluated: 2022-07-06. Review status: criteria provided, single submitter. Criteria: Invitae Variant Classification Sherloc (09022015). Collection method: clinical testing. Allele origin: germline.
Comment: This variant, c.1928_1945del, results in the deletion of 6 amino acid(s) of the COL9A3 protein (p.Pro643_Gly648del), but otherwise preserves the integrity of the reading frame. This variant is not present in population databases (gnomAD no frequency). In summary, the available evidence is currently insufficient to determine the role of this variant in disease. Therefore, it has been classified as a Variant of Uncertain Significance. Experimental studies and prediction algorithms are not available or were not evaluated, and the functional significance of this variant is currently unknown. ClinVar contains an entry for this variant (Variation ID: 1522445). This variant has not been reported in the literature in individuals affected with COL9A3-related conditions.

Blueprint Genetics
Classification: Uncertain significance. Last evaluated: 2021-04-19. Review status: criteria provided, single submitter. Criteria: ACMG Guidelines, 2015. Collection method: clinical testing. Allele origin: germline.

NM_001853.4(COL9A3):c.1928_1945del (p.Pro643_Gly648del)

Gene: COL9A3 (collagen type IX alpha 3 chain; plus strand). Cytogenetic location: 20q13.33.
Variant type: Deletion.
Coding change: c.1928_1945del on transcript NM_001853.4 (MANE Select); coding-DNA positions 1928 to 1945, 18 bases deleted (CTCCCGGAGATCCTGGGC).
Protein change: p.Pro643_Gly648del.
Molecular consequence: inframe deletion.
Genome position (GRCh38, 1-based): chr20:62,840,605-62,840,622, CTCCCGGAGATCCTGGGC deleted; deleting any 18 consecutive bases within chr20:62,840,598-62,840,622 gives the same sequence; the c. name uses the placement nearest the transcript's 3' end. VCF-style (leftmost placement, unchanged base first): chr20-62840597-GCCTGGGCCTCCCGGAGAT-G. GRCh37 (hg19) VCF-style: chr20-61471949-GCCTGGGCCTCCCGGAGAT-G.
Identifiers: ClinVar variation 1522445 (VCV001522445.7), dbSNP rs2063669601, ClinGen allele CA2374474884.